The following is an entry in ClinVar:

NM_024312.5(GNPTAB):c.322A>T (p.Arg108Ter)

Gene: GNPTAB (N-acetylglucosamine-1-phosphate transferase subunits alpha and beta; minus strand). Cytogenetic location: 12q23.2.
Variant type: single nucleotide variant.
Coding change: c.322A>T on transcript NM_024312.5 (MANE Select); coding-DNA position 322, A replaced by T.
Protein change: p.Arg108Ter; replaces arginine 108 with a stop codon.
Molecular consequence: nonsense.
Genome position (GRCh38, 1-based): chr12:101,789,939, T>A on the plus strand (A>T on the coding strand, the complement: GNPTAB is on the minus strand). VCF-style: chr12-101789939-T-A. GRCh37 (hg19) VCF-style: chr12-102183717-T-A.
Other names: short protein forms R108*.
Identifiers: ClinVar variation 942162 (VCV000942162.7), dbSNP rs770176191, ClinGen allele CA6746940.
Genomic context (GRCh38, chr12:101,789,939, plus strand): 5'-TCAGACCTTATTACATCGCCACATTACCCATCTGATGTGAAAAAAAAAATCAGTTTTACC[T>A]CATTGCTTTCTGCTCCTCCTCCATCTGTTCTCTGACCTGCTGTAGTTCCTTCAGTAGTTC-3'

ClinVar aggregate classification (germline): Pathogenic (1 of 4 stars; one submission).

Conditions:
Mucolipidosis type II. Also called: Mucolipidosis 2; ML 2; Inclusion cell disease; Leroy Disease; N-acetylglucosamine 1phosphotransferase deficiency; ML disorder type 2. Identifiers: Orphanet 576, MedGen C2673377, MONDO:0009650, OMIM 252500.
Pseudo-Hurler polydystrophy. Also called: ML IIIA; Mucolipidosis III Alpha/Beta; MUCOLIPIDOSIS IIIA; ML III; ML III ALPHA/BETA; Type III Mucolipidosis. Identifiers: Orphanet 423461, Orphanet 577, MedGen C0033788, MONDO:0018931, OMIM 252600.

Allele frequency attached by ClinVar (database versions not stated): ExAC 0.00001; gnomAD exomes below 0.00001; gnomAD 0.00001.
gnomAD v4.1: 5 of 1,613,984 alleles (0.00031%); highest among the groups gnomAD compares: Non-Finnish European, 0.00042%; no homozygotes.

Submission:

Labcorp Genetics (formerly Invitae), Labcorp
Classification: Pathogenic for Pseudo-Hurler polydystrophy; Mucolipidosis type II. Last evaluated: 2019-08-22. Review status: criteria provided, single submitter. Criteria: Invitae Variant Classification Sherloc (09022015). Collection method: clinical testing. Allele origin: germline.
Comment: This variant has not been reported in the literature in individuals with GNPTAB-related conditions. This variant is present in population databases (rs770176191, ExAC 0.001%). This sequence change creates a premature translational stop signal (p.Arg108*) in the GNPTAB gene. It is expected to result in an absent or disrupted protein product. For these reasons, this variant has been classified as Pathogenic. Loss-of-function variants in GNPTAB are known to be pathogenic (PMID: 19617216, 25107912). Algorithms developed to predict the effect of sequence changes on RNA splicing suggest that this variant may disrupt the consensus splice site, but this prediction has not been confirmed by published transcriptional studies.

Literature cited by the submitters: PubMed 19617216; PubMed 25107912.